The following is an entry in ClinVar:

NM_002439.5(MSH3):c.2090G>C (p.Gly697Ala)

Gene: MSH3 (mutS homolog 3; plus strand). Cytogenetic location: 5q14.1.
Variant type: single nucleotide variant.
Coding change: c.2090G>C on transcript NM_002439.5 (MANE Select); coding-DNA position 2090, G replaced by C.
Protein change: p.Gly697Ala; replaces glycine 697 with alanine.
Molecular consequence: missense variant.
Genome position (GRCh38, 1-based): chr5:80,768,840, G>C. VCF-style: chr5-80768840-G-C. GRCh37 (hg19) VCF-style: chr5-80064659-G-C.
Other names: short protein forms G697A.
Identifiers: ClinVar variation 2094386 (VCV002094386.4), dbSNP rs2112885091, ClinGen allele CA360279173.

ClinVar aggregate classification (germline): Uncertain significance (1 of 4 stars; one submission).

Submission:

Labcorp Genetics (formerly Invitae), Labcorp
Classification: Uncertain significance. Last evaluated: 2022-02-07. Review status: criteria provided, single submitter. Criteria: Invitae Variant Classification Sherloc (09022015). Collection method: clinical testing. Allele origin: germline.
Comment: This variant is not present in population databases (gnomAD no frequency). In summary, the available evidence is currently insufficient to determine the role of this variant in disease. Therefore, it has been classified as a Variant of Uncertain Significance. Algorithms developed to predict the effect of missense changes on protein structure and function are either unavailable or do not agree on the potential impact of this missense change (SIFT: "Tolerated"; PolyPhen-2: "Probably Damaging"; Align-GVGD: "Class C0"). This variant has not been reported in the literature in individuals affected with MSH3-related conditions. This sequence change replaces glycine, which is neutral and non-polar, with alanine, which is neutral and non-polar, at codon 697 of the MSH3 protein (p.Gly697Ala).